The following is an entry in ClinVar:

ClinVar aggregate classification (germline): Pathogenic. Review status: criteria provided, multiple submitters, no conflicts (2 of 4 stars). 2 submissions from 2 submitters: Pathogenic (2). Last evaluated 2025-09-22.

Conditions:
Familial adenomatous polyposis 1 (FAP1). Also called: FAMILIAL ADENOMATOUS POLYPOSIS 1, ATTENUATED; POLYPOSIS, ADENOMATOUS INTESTINAL. Identifiers: MedGen C2713442, MONDO:0021056, OMIM 175100. Disease mechanism: loss of function.
Hereditary cancer-predisposing syndrome. Also called: Neoplastic Syndromes, Hereditary; Tumor predisposition; Hereditary neoplastic syndrome; Hereditary Cancer Syndrome. Identifiers: Orphanet 140162, MedGen C0027672, MeSH D009386, MONDO:0015356.

Submissions (2):

Labcorp Genetics (formerly Invitae), Labcorp
Classification: Pathogenic for Familial adenomatous polyposis 1. Last evaluated: 2025-09-22. Review status: criteria provided, single submitter. Criteria: Invitae Variant Classification Sherloc (09022015). Collection method: clinical testing. Allele origin: germline.
Comment: This sequence change creates a premature translational stop signal (p.Gln1071Lysfs*9) in the APC gene. While this is not anticipated to result in nonsense mediated decay, it is expected to disrupt the last 1773 amino acid(s) of the APC protein. This variant is not present in population databases (gnomAD no frequency). This premature translational stop signal has been observed in individual(s) with familial adenomatous polyposis (FAP) (PMID: 23159591). ClinVar contains an entry for this variant (Variation ID: 642587). Algorithms developed to predict the effect of sequence changes on RNA splicing suggest that this variant may create or strengthen a splice site. This variant is expected to disrupt the EB1 and HDLG binding sites, which mediate interactions with the cytoskeleton (PMID: 15311282, 17293347). While functional studies have not been performed to directly test the effect on APC protein function, this suggests that disruption of the C-terminal portion of the protein is functionally important. A different truncation (p.Tyr2645Lysfs*14) that lies downstream of this variant has been determined to be pathogenic (PMID: 9824584, 1316610, 27081525, 8381579, 22135120, internal data). This suggests that deletion of this region of the APC protein is causative of disease. For these reasons, this variant has been classified as Pathogenic.

Ambry Genetics
Classification: Pathogenic for Hereditary cancer-predisposing syndrome. Last evaluated: 2025-06-30. Review status: criteria provided, single submitter. Criteria: Ambry Variant Classification Scheme 2023. Collection method: clinical testing. Allele origin: germline.
Comment: The c.3211_3212delCA pathogenic mutation, located in coding exon 15 of the APC gene, results from a deletion of two nucleotides at nucleotide positions 3211 to 3212, causing a translational frameshift with a predicted alternate stop codon (p.Q1071Kfs*9). In a large (n=1591) series of patients referred for APC testing, this alteration was detected in one individual (Kerr SE et al. J Mol Diagn, 2013 Jan;15:31-43). This variant is considered to be rare based on population cohorts in the Genome Aggregation Database (gnomAD). This alteration is expected to result in loss of function by premature protein truncation or nonsense-mediated mRNA decay. As such, this alteration is interpreted as a disease-causing mutation.

Literature cited by the submitters: PubMed 23159591 (cited by Labcorp Genetics (formerly Invitae), Labcorp and Ambry Genetics); PubMed 15311282 (cited by Labcorp Genetics (formerly Invitae), Labcorp); PubMed 17293347 (cited by Labcorp Genetics (formerly Invitae), Labcorp); PubMed 9824584 (cited by Labcorp Genetics (formerly Invitae), Labcorp); PubMed 1316610 (cited by Labcorp Genetics (formerly Invitae), Labcorp); PubMed 27081525 (cited by Labcorp Genetics (formerly Invitae), Labcorp); PubMed 8381579 (cited by Labcorp Genetics (formerly Invitae), Labcorp); PubMed 22135120 (cited by Labcorp Genetics (formerly Invitae), Labcorp).

NM_000038.6(APC):c.3211_3212del (p.Gln1071fs)

Gene: APC (APC regulator of Wnt signaling pathway; plus strand). Cytogenetic location: 5q22.2.
Variant type: Deletion.
Coding change: c.3211_3212del on transcript NM_000038.6 (MANE Select); coding-DNA positions 3211 to 3212, 2 bases deleted (CA; older notation c.3211_3212delCA).
Protein change: p.Gln1071fs; shifts the reading frame from glutamine 1071.
Molecular consequence: frameshift variant.
Genome position (GRCh38, 1-based): chr5:112,838,805-112,838,806, CA deleted. VCF-style (leftmost placement, unchanged base first): chr5-112838804-TCA-T. GRCh37 (hg19) VCF-style: chr5-112174501-TCA-T.
Other names: c.3211_3212del, p.Gln1071fs (NM_001127510.3, NM_001354895.2); c.3157_3158del, p.Gln1053fs (NM_001127511.3); c.3265_3266del, p.Gln1089fs (NM_001354896.2); c.3241_3242del, p.Gln1081fs (NM_001354897.2); c.3136_3137del, p.Gln1046fs (NM_001354898.2); c.3127_3128del, p.Gln1043fs (NM_001354899.2); c.3088_3089del, p.Gln1030fs (NM_001354900.2); c.3034_3035del, p.Gln1012fs (NM_001354901.2); and 5 more; short protein forms Q1046fs, Q980fs, Q1071fs, Q1081fs, Q1089fs, Q911fs, Q1030fs, Q1043fs.
Identifiers: ClinVar variation 642587 (VCV000642587.11), dbSNP rs1580632599, ClinGen allele CA915943480.
Genomic context (GRCh38, chr5:112,838,804, plus strand): 5'-AAGACCCAAACACATAATAGAAGATGAAATAAAACAAAGTGAGCAAAGACAATCAAGGAA[TCA>T]AAGTACAACTTATCCTGTTTATACTGAGAGCACTGATGATAAACACCTCAAGTTCCAACC-3'